The following is an entry in ClinVar:

ClinVar aggregate classification (germline): Pathogenic/Likely pathogenic. Review status: criteria provided, multiple submitters, no conflicts (2 of 4 stars). 4 submissions from 4 submitters: Pathogenic (1); Likely pathogenic (3). Last evaluated 2026-03-05.

Conditions:
Finnish congenital nephrotic syndrome (NPHS1). Also called: NEPHROTIC SYNDROME, TYPE 1. Identifiers: Orphanet 839, MedGen C0403399, MONDO:0009732, OMIM 256300.
NPHS1-related disorder. Also called: NPHS1-related condition.

Allele frequency attached by ClinVar (database versions not stated): gnomAD exomes below 0.00001 and 0.00001; ExAC 0.00001; ESP Exome Variant Server 0.00008.

Submissions (4):

PreventionGenetics, part of Exact Sciences
Classification: Likely pathogenic for NPHS1-related condition. Last evaluated: 2026-03-05. Review status: criteria provided, single submitter. Criteria: ACMG Guidelines, 2015. Collection method: clinical testing. Allele origin: germline.
Comment: The NPHS1 c.671dupT variant is predicted to result in a frameshift and premature protein termination (p.Glu225Glyfs*28). To our knowledge, this variant has not been reported in the literature. This variant is reported in 0.00088% of alleles in individuals of European (Non-Finnish) descent in gnomAD. Frameshift variants in NPHS1 are expected to be pathogenic. This variant is interpreted as likely pathogenic.

Fulgent Genetics
Classification: Likely pathogenic for Finnish congenital nephrotic syndrome. Last evaluated: 2024-01-03. Review status: criteria provided, single submitter. Criteria: ACMG Guidelines, 2015. Collection method: clinical testing. Allele origin: germline.

Baylor Genetics
Classification: Likely pathogenic for Finnish congenital nephrotic syndrome. Last evaluated: 2022-10-26. Review status: criteria provided, single submitter. Criteria: ACMG Guidelines, 2015. Collection method: clinical testing. Allele origin: unknown.

Labcorp Genetics (formerly Invitae), Labcorp
Classification: Pathogenic. Last evaluated: 2020-01-21. Review status: criteria provided, single submitter. Criteria: Invitae Variant Classification Sherloc (09022015). Collection method: clinical testing. Allele origin: germline.
Comment: For these reasons, this variant has been classified as Pathogenic. Loss-of-function variants in NPHS1 are known to be pathogenic (PMID: 11317351, 11854170, 12039988). This variant has not been reported in the literature in individuals with NPHS1-related conditions. This variant is present in population databases (rs753394912, ExAC 0.002%). This sequence change creates a premature translational stop signal (p.Glu225Glyfs*28) in the NPHS1 gene. It is expected to result in an absent or disrupted protein product.

Literature cited by the submitters: PubMed 11317351 (cited by Labcorp Genetics (formerly Invitae), Labcorp); PubMed 11854170 (cited by Labcorp Genetics (formerly Invitae), Labcorp); PubMed 12039988 (cited by Labcorp Genetics (formerly Invitae), Labcorp).

NM_004646.4(NPHS1):c.671dup (p.Glu225fs)

Gene: NPHS1 (NPHS1 adhesion molecule, nephrin; minus strand). Cytogenetic location: 19q13.12.
Variant type: Duplication.
Coding change: c.671dup on transcript NM_004646.4 (MANE Select); coding-DNA position 671, one base duplicated (T; older notation c.671dupT).
Protein change: p.Glu225fs; shifts the reading frame from glutamic acid 225.
Molecular consequence: frameshift variant.
Genome position (GRCh38, 1-based): chr19:35,849,591, A duplicated on the plus strand (T on the coding strand, the reverse complement: NPHS1 is on the minus strand). VCF-style (leftmost placement, unchanged base first): chr19-35849590-C-CA. GRCh37 (hg19) VCF-style: chr19-36340492-C-CA.
Other names: c.671dupT (NM_004646.3); short protein forms E225fs.
Identifiers: ClinVar variation 1072444 (VCV001072444.11), dbSNP rs753394912, ClinGen allele CA9390702.